The following continues an entry in ClinVar:

NM_000016.6(ACADM):c.985A>G (p.Lys329Glu)

Gene: ACADM. ClinVar aggregate classification (germline): Pathogenic/Likely pathogenic. Pathogenic (50); Likely pathogenic (3).

Submissions 41 to 56 of 59:

Fulgent Genetics
Classification: Pathogenic for Medium-chain acyl-coenzyme A dehydrogenase deficiency. Last evaluated: 2018-10-31. Review status: criteria provided, single submitter. Criteria: ACMG Guidelines, 2015. Collection method: clinical testing. Allele origin: unknown.

Institute of Human Genetics Munich, TUM University Hospital
Classification: Pathogenic for Medium-chain acyl-coenzyme A dehydrogenase deficiency. Last evaluated: 2018-10-30. Review status: criteria provided, single submitter. Criteria: Classification criteria August 2017. Collection method: clinical testing. Allele origin: paternal. Inheritance: Autosomal recessive inheritance. Affected: yes. Observed: 1 compound heterozygote.

Illumina Laboratory Services, Illumina
Classification: Pathogenic for Medium-chain acyl-coenzyme A dehydrogenase deficiency. Last evaluated: 2017-09-29. Review status: criteria provided, single submitter. Criteria: ICSL Variant Classification Criteria 09 May 2019. Collection method: clinical testing. Allele origin: germline.
Comment: The ACADM c.985A>G (p.Lys329Glu) missense variant is widely reported as the most common pathogenic variant in the Caucasian population accounting for approximately 67% of disease alleles for MCAD deficiency (Matern et al. 2000). Across a selection of the available literature, the p.Lys329Glu variant has been identified in over 168 MCAD deficiency patients including 103 in a homozygous state, 54 in a compound heterozygous state, and 11 in a heterozygous state (Matsubara et al. 1990; Andresen et al. 2001; Maier et al. 2005; Sturm et al. 2012; FernÃ¡ndez-Guerra et al. 2014). The variant was absent from 29 controls and is reported at a frequency of 0.00744 in the European American population of the Exome Sequencing Project. Functional studies have demonstrated that the variant results in significantly reduced enzyme activity compared to wild type of less than 10% in homozygotes and 12% in compound heterozygotes, which is significantly below the 20-30% threshold associated with disease phenotypic presentation (Sturm et al. 2012). The variant is reported to cause protein misfolding (FernÃ¡ndez-Guerra et al. 2014). Based on the collective evidence, the p.Lys329Glu variant is classified as pathogenic for medium-chain acyl-CoA dehydrogenase deficiency. This variant was observed by ICSL as part of a predisposition screen in an ostensibly healthy population.

Women's Health and Genetics/Laboratory Corporation of America, LabCorp
Classification: Pathogenic for Medium-chain acyl-coenzyme A dehydrogenase deficiency. Last evaluated: 2016-06-10. Review status: criteria provided, single submitter. Criteria: LabCorp Variant Classification Summary - May 2015. Collection method: clinical testing. Allele origin: germline.
Comment: Variant summary: The ACADM c.985A>G (p.Lys329Glu) variant involves the alteration of a conserved nucleotide. 1/4 in silico tools predict a damaging outcome. This variant was found in 402/121176 control chromosomes (including 1 homozygote) at a frequency of 0.0033175, which does not exceed the estimated maximal expected allele frequency of a pathogenic ACADM variant (0.0036228). The variant is the most common mutation causing MCAD. The variant is widely reported in literature with consistent genotype and functional assays show that it leads to defective enzymatic activity. Several clinical diagnostic laboratories/reputable databases classified this variant as pathogenic. Taken together, this variant is classified as Pathogenic.

Knight Diagnostic Laboratories, Oregon Health and Sciences University
Classification: Pathogenic for Medium-chain acyl-coenzyme A dehydrogenase deficiency. Last evaluated: 2015-09-26. Review status: criteria provided, single submitter. Criteria: ACMG Guidelines, 2015. Collection method: clinical testing. Allele origin: germline. Affected: no. Study: CSER-NextGen.
Comment: The c.985A>G, p.Lys329Glu variant (position is based on the precursor protein) variant has been observed in the homozygous state in several individuals who were diagnosed with MCAD deficiency (Matsubara, Y et al., 1990; Yokota et al., 1991). The prevalence of this variant in affected individuals is significantly increased compared with the prevalence in controls. Biochemically, this variant is in a domain that is critical for enzymatic activity and in vitro functional studies have demonstrated that the p.Lys329Glu variant results in protein misfolding, increased hydrophobicity and altered enzyme kinetics (Jank et al., 2014; Maier et al., 2009). The frequency of the variant in the population databases (Exome Sequencing Project and ExAC) is lower than the world-wide disease allele frequency. Finally, reputable sources have classified this variant as Pathogenic. In summary, this variant meets our criteria for a Pathogenic classification. We have confirmed this finding in our laboratory using Sanger sequencing.

Center for Pediatric Genomic Medicine, Children's Mercy Hospital and Clinics
Classification: Pathogenic. Last evaluated: 2015-03-30. Review status: criteria provided, single submitter. Criteria: ACMG Guidelines, 2015. Collection method: clinical testing. Allele origin: germline.

Courtagen Diagnostics Laboratory, Courtagen Life Sciences
Classification: Pathogenic for Acyl-CoA dehydrogenase, medium chain, deficiency of. Last evaluated: 2014-11-06. Review status: criteria provided, single submitter. Criteria: Courtagen Life Sciences Classifications. Collection method: clinical testing. Allele origin: germline.

Clinical Genetics Service, Universitary Hospital 12 de Octubre
Classification: Pathogenic for Medium-chain acyl-coenzyme A dehydrogenase deficiency. Review status: criteria provided, single submitter. Criteria: ACMG Guidelines, 2015. Collection method: clinical testing. Allele origin: germline. Affected: yes.

Equipe Genetique des Anomalies du Developpement, Université de Bourgogne
Classification: Likely pathogenic for Epileptic spasm. Review status: criteria provided, single submitter. Criteria: ACMG Guidelines, 2015. Collection method: clinical testing. Allele origin: maternal. Affected: yes.

Kariminejad - Najmabadi Pathology & Genetics Center
Classification: Pathogenic for Medium-chain acyl-coenzyme A dehydrogenase deficiency. Review status: criteria provided, single submitter. Criteria: ACMG Guidelines, 2015. Collection method: clinical testing. Allele origin: germline. Affected: no.

Neuberg Centre For Genomic Medicine, NCGM
Classification: Pathogenic for Medium-chain acyl-coenzyme A dehydrogenase deficiency. Review status: criteria provided, single submitter. Criteria: ACMG Guidelines, 2015. Collection method: clinical testing. Allele origin: germline. Inheritance: Autosomal recessive inheritance. Affected: yes.
Comment: The missense c.985A>Gp.Lys329Glu variant in ACADM gene has been reported previously in homozygous state in individuals affected with medium-chain acyl-CoA dehydrogenase MCAD deficiency Leal et al., 2014. Experimental studies have shown that this missense change affects ACADM function Sturm et al., 2012. This variant is reported with the allele frequency of 0.3% in the gnomAD Exomes and novel in 1000 Genomes. This variant has been reported to the ClinVar database as Likely Pathogenic / Pathogenic multiple submitters. The amino acid Lys at position 329 is changed to a Glu changing protein sequence and it might alter its composition and physico-chemical properties. The amino acid change p.Lys329Glu in ACADM is predicted as conserved by GERP++ and PhyloP across 100 vertebrates. For these reasons, this variant has been classified as Pathogenic.

Rady Children's Institute for Genomic Medicine, Rady Children's Hospital San Diego
Classification: Pathogenic for ACYL-CoA DEHYDROGENASE, MEDIUM-CHAIN, DEFICIENCY OF. Review status: criteria provided, single submitter. Criteria: ACMG Guidelines, 2015. Collection method: clinical testing. Allele origin: germline. Affected: yes.
Comment: This variant is also referred to as p.Lys304Glu or K304E in the literature. This established pathogenic variant has been previously reported in the homozygous and compound heterozygous state in patients with MCAD deficiency (PMID: 16737882, 15832312, 16291504, 16617240, 16763904, 23574375). Experimental studies performed on lymphocytes from patients with this variant in the homozygous state have shown loss of enzyme activity (PMID: 23028790, 22630369). The c.997A>G (p.Lys333Glu) variant is present in the gnomAD population database at a frequency of 0.3% (941/282786). Based on the available evidence, the c.997A>G (p.Lys333Glu) variant is classified as Pathogenic.

UNC Molecular Genetics  Laboratory, University of North Carolina at Chapel Hill
Classification: Pathogenic for Medium-chain acyl-coenzyme A dehydrogenase deficiency. Review status: criteria provided, single submitter. Criteria: ACMG Guidelines, 2015. Collection method: research. Allele origin: germline. Affected: yes. Observed: 7 variant alleles. Study: NSIGHT-NC NEXUS.
Comment: The ACADM c.985A>G (p.K329E) missense variant has been reported as one of the most commonly observed pathogenic variants in individuals with medium-chain acyl-coA dehydrogenase deficiency (PMID: 1684086;1902818; 11349232).

Reproductive Health Research and Development, BGI Genomics
Classification: Pathogenic for Medium-chain acyl-coenzyme A dehydrogenase deficiency. Last evaluated: 2020-01-06. Review status: no assertion criteria provided. Collection method: curation. Allele origin: germline. Not counted in ClinVar's aggregate classification.
Comment: NM_000016.4:c.985A>G in the ABCA4 gene has an allele frequency of 0.006 in European(non-Finnish) subpopulation in the gnomAD database. Sturm M et al found that 21 subjects with suspected MCAD deficiency were characterized as homozygous for the prevalent mutation c.985A>G and 4 were compound heterozygotes containing one copy of the prevalent mutation c.985A>G together with known or novel missense mutations, small deletions, or insertions and had residual activities between 0-12% (PMID: 23028790). Experimental studies have shown that c.985A>G causes a loss of enzymatic activity measured in lymphocytes from patients who are homozygous for this variant (PMID: 23028790; 22630369). The patient's phenotype is highly specific for ABCA4 gene(PMID: 16737882). Pathogenic computational verdict because pathogenic predictions from DANN, DEOGEN2, EIGEN, FATHMM-MKL, M-CAP, MVP, MutationTaster, PrimateAI and REVEL. Taken together, we interprete this variant as Pathogenic/Likely pathogenic variant. ACMG/AMP criteria applied: PM3_Strong; PS3; PP3; PP4.

OMIM
Classification: Pathogenic for MCAD DEFICIENCY. Last evaluated: 2014-03-01. Review status: no assertion criteria provided. Collection method: literature only. Allele origin: germline. Not counted in ClinVar's aggregate classification.

Clinical Genetics DNA and cytogenetics Diagnostics Lab, Erasmus MC, Erasmus Medical Center
Classification: Pathogenic. Review status: no assertion criteria provided. Collection method: clinical testing. Allele origin: germline. Affected: yes. Study: VKGL Data-share Consensus. Not counted in ClinVar's aggregate classification.